The following is an entry in ClinVar:

ClinVar aggregate classification (germline): Uncertain significance. Review status: criteria provided, multiple submitters, no conflicts (2 of 4 stars). 3 submissions from 3 submitters: Uncertain significance (3). Last evaluated 2024-05-24.

Conditions:
Deficiency of adenosine deaminase 2. Also called: Polyarteritis nodosa, childhoood-onset; VASCULITIS, AUTOINFLAMMATION, IMMUNODEFICIENCY, AND HEMATOLOGIC DEFECTS SYNDROME; Adenosine Deaminase 2 Deficiency. Identifiers: Orphanet 404553, MedGen C3887654, MONDO:0014306, OMIM 615688, MONDO:0100317.
Sneddon syndrome (SNDNS). Also called: LIVEDO RETICULARIS AND CEREBROVASCULAR ACCIDENTS; Idiopathic livedo reticularis with systemic involvement. Identifiers: Orphanet 820, MedGen C0282492, MONDO:0008436, OMIM 182410.
Autoinflammatory syndrome. Identifiers: Orphanet 93665, MedGen C3890737, MONDO:0019751.

Allele frequency attached by ClinVar (database versions not stated): ESP Exome Variant Server 0.00008; TOPMed 0.00009; gnomAD 0.00011; 1000 Genomes Project 30x 0.00016; 1000 Genomes Project 0.00020.

Submissions (3):

Fulgent Genetics
Classification: Uncertain significance for Sneddon syndrome; Deficiency of adenosine deaminase 2. Last evaluated: 2024-05-24. Review status: criteria provided, single submitter. Criteria: ACMG Guidelines, 2015. Collection method: clinical testing. Allele origin: germline.

Labcorp Genetics (formerly Invitae), Labcorp
Classification: Uncertain significance for Deficiency of adenosine deaminase 2. Last evaluated: 2022-09-01. Review status: criteria provided, single submitter. Criteria: Invitae Variant Classification Sherloc (09022015). Collection method: clinical testing. Allele origin: germline.
Comment: This sequence change replaces glutamic acid, which is acidic and polar, with glutamine, which is neutral and polar, at codon 489 of the ADA2 protein (p.Glu489Gln). This variant is present in population databases (rs45497794, gnomAD 0.02%). This variant has not been reported in the literature in individuals affected with ADA2-related conditions. ClinVar contains an entry for this variant (Variation ID: 541736). Algorithms developed to predict the effect of missense changes on protein structure and function (SIFT, PolyPhen-2, Align-GVGD) all suggest that this variant is likely to be tolerated. In summary, the available evidence is currently insufficient to determine the role of this variant in disease. Therefore, it has been classified as a Variant of Uncertain Significance.

Genome Diagnostics Laboratory, The Hospital for Sick Children
Classification: Uncertain significance for Autoinflammatory syndrome. Last evaluated: 2017-07-18. Review status: criteria provided, single submitter. Criteria: ACMG Guidelines, 2015. Collection method: clinical testing. Allele origin: germline. Affected: yes.

NM_001282225.2(ADA2):c.1465G>C (p.Glu489Gln)

Gene: ADA2 (adenosine deaminase 2; minus strand). Cytogenetic location: 22q11.1.
Variant type: single nucleotide variant.
Coding change: c.1465G>C on transcript NM_001282225.2 (MANE Select); coding-DNA position 1465, G replaced by C.
Protein change: p.Glu489Gln; replaces glutamic acid 489 with glutamine.
Molecular consequence: missense variant.
Genome position (GRCh38, 1-based): chr22:17,181,554, C>G on the plus strand (G>C on the coding strand, the complement: ADA2 is on the minus strand). VCF-style: chr22-17181554-C-G. GRCh37 (hg19) VCF-style: chr22-17662444-C-G.
Other names: c.1465G>C, p.Glu489Gln (NM_001282226.2); c.1339G>C, p.Glu447Gln (NM_001282227.2, NM_001282228.2); c.1105G>C, p.Glu369Gln (NM_001282229.2); c.742G>C, p.Glu248Gln (NM_177405.3); short protein forms E489Q, E447Q, E369Q, E248Q.
Identifiers: ClinVar variation 541736 (VCV000541736.14), dbSNP rs45497794, ClinGen allele CA10087841.